The following is an entry in ClinVar:

NM_004369.4(COL6A3):c.6309+1G>A

Genes: COL6A3 (collagen type VI alpha 3 chain; minus strand), LOC122889011 (Sharpr-MPRA regulatory region 1020; plus strand). Cytogenetic location: 2q37.3.
Variant type: single nucleotide variant.
Coding change: c.6309+1G>A on transcript NM_004369.4 (MANE Select); the canonical splice donor site of the intron after coding-DNA position 6309, G replaced by A.
Molecular consequence: splice donor variant.
Genome position (GRCh38, 1-based): chr2:237,359,361, C>T on the plus strand (G>A on the coding strand, the complement: COL6A3 is on the minus strand). VCF-style: chr2-237359361-C-T. GRCh37 (hg19) VCF-style: chr2-238268004-C-T.
Other names: c.4488+1G>A (NM_057166.5); c.5691+1G>A (NM_057167.4).
Identifiers: ClinVar variation 581383 (VCV000581383.49), dbSNP rs886043919, ClinGen allele CA351216215.

ClinVar aggregate classification (germline): Pathogenic. Review status: criteria provided, multiple submitters, no conflicts (2 of 4 stars). 2 submissions from 2 submitters: Pathogenic (2). Last evaluated 2024-10-12.

Conditions:
Bethlem myopathy 1A. Also called: MYOPATHY, BENIGN CONGENITAL, WITH CONTRACTURES; Bethlem myopathy 1; Bethlem Muscular Dystrophy. Identifiers: Orphanet 610, MedGen CN029274, MONDO:0024530, OMIM 158810.

Submissions (2):

Labcorp Genetics (formerly Invitae), Labcorp
Classification: Pathogenic for Bethlem myopathy 1A. Last evaluated: 2024-10-12. Review status: criteria provided, single submitter. Criteria: Invitae Variant Classification Sherloc (09022015). Collection method: clinical testing. Allele origin: germline.
Comment: This sequence change affects a donor splice site in intron 18 of the COL6A3 gene. It is expected to disrupt RNA splicing. Variants that disrupt the donor or acceptor splice site typically lead to a loss of protein function (PMID: 16199547), and loss-of-function variants in COL6A3 are known to be disease-causing for autosomal recessive COL6A3-related conditions (PMID: 21280092, 20976770). However, certain variants affecting donor or acceptor splice sites in the triple helical domain of COL6A3 are expected to result in in-frame exon skipping and have been reported to cause autosomal dominant COL6A3-related conditions (PMID: 18366090). This variant is not present in population databases (gnomAD no frequency). Disruption of this splice site has been observed in individual(s) with autosomal dominant moderately progressive collagen VI myopathy (PMID: 20976770). In at least one individual the variant was observed to be de novo. ClinVar contains an entry for this variant (Variation ID: 581383). Algorithms developed to predict the effect of sequence changes on RNA splicing suggest that this variant may disrupt the consensus splice site. For these reasons, this variant has been classified as Pathogenic.

CeGaT Center for Human Genetics Tuebingen
Classification: Pathogenic. Last evaluated: 2018-11-01. Review status: criteria provided, single submitter. Criteria: CeGaT Center For Human Genetics Tuebingen Variant Classification Criteria Version 2. Collection method: clinical testing. Allele origin: germline. Affected: yes. Observed: 1 variant allele.

Literature cited by the submitters: PubMed 16199547 (cited by Labcorp Genetics (formerly Invitae), Labcorp); PubMed 21280092 (cited by Labcorp Genetics (formerly Invitae), Labcorp); PubMed 20976770 (cited by Labcorp Genetics (formerly Invitae), Labcorp); PubMed 18366090 (cited by Labcorp Genetics (formerly Invitae), Labcorp).